The following is an entry in ClinVar:

NM_000066.4(C8B):c.93-11A>G

Gene: C8B (complement C8 beta chain; minus strand). Cytogenetic location: 1p32.2.
Variant type: single nucleotide variant.
Coding change: c.93-11A>G on transcript NM_000066.4 (MANE Select); 11 bases into the intron before coding-DNA position 93, A replaced by G.
Molecular consequence: intron variant.
Genome position (GRCh38, 1-based): chr1:56,960,187, T>C on the plus strand (A>G on the coding strand, the complement: C8B is on the minus strand). VCF-style: chr1-56960187-T-C. GRCh37 (hg19) VCF-style: chr1-57425860-T-C.
Other names: c.-223-11A>G (NM_001278544.2); c.-64-11A>G (NM_001278543.2).
Identifiers: ClinVar variation 4806189 (VCV004806189.1).

ClinVar aggregate classification (germline): Uncertain significance (1 of 4 stars; one submission).

Submission:

Labcorp Genetics (formerly Invitae), Labcorp
Classification: Uncertain significance. Last evaluated: 2026-01-16. Review status: criteria provided, single submitter. Criteria: Invitae Variant Classification Sherloc (09022015). Collection method: clinical testing. Allele origin: germline.
Comment: This sequence change falls in intron 1 of the C8B gene. It does not directly change the encoded amino acid sequence of the C8B protein. This variant is present in population databases (rs371606036, gnomAD 0.007%). This variant has not been reported in the literature in individuals affected with C8B-related conditions. Algorithms developed to predict the effect of sequence changes on RNA splicing suggest that this variant may disrupt the consensus splice site. In summary, the available evidence is currently insufficient to determine the role of this variant in disease. Therefore, it has been classified as a Variant of Uncertain Significance.